The following is an entry in ClinVar:

NM_002519.3(NPAT):c.1936C>T (p.His646Tyr)

Gene: NPAT (nuclear protein, coactivator of histone transcription; minus strand). Cytogenetic location: 11q22.3.
Variant type: single nucleotide variant.
Coding change: c.1936C>T on transcript NM_002519.3 (MANE Select); coding-DNA position 1936, C replaced by T.
Protein change: p.His646Tyr; replaces histidine 646 with tyrosine.
Molecular consequence: missense variant.
Genome position (GRCh38, 1-based): chr11:108,173,048, G>A on the plus strand (C>T on the coding strand, the complement: NPAT is on the minus strand). VCF-style: chr11-108173048-G-A. GRCh37 (hg19) VCF-style: chr11-108043775-G-A.
Other names: c.1936C>T, p.His646Tyr (NM_001321307.1); short protein forms H646Y.
Identifiers: ClinVar variation 1782966 (VCV001782966.5), dbSNP rs1256256506, ClinGen allele CA382514036.

ClinVar aggregate classification (germline): Uncertain significance. Review status: criteria provided, multiple submitters, no conflicts (2 of 4 stars). 2 submissions from 2 submitters: Uncertain significance (2). Last evaluated 2025-12-22.

Allele frequency attached by ClinVar (database versions not stated): gnomAD 0.00001; TOPMed below 0.00001.
gnomAD v4.1: 1 of 1,613,898 alleles (0.000062%); highest among the groups gnomAD compares: Non-Finnish European, 0.000085%; no homozygotes.

Submissions (2):

Labcorp Genetics (formerly Invitae), Labcorp
Classification: Uncertain significance. Last evaluated: 2025-12-22. Review status: criteria provided, single submitter. Criteria: Invitae Variant Classification Sherloc (09022015). Collection method: clinical testing. Allele origin: germline.
Comment: This sequence change replaces histidine, which is basic and polar, with tyrosine, which is neutral and polar, at codon 646 of the NPAT protein (p.His646Tyr). This variant is not present in population databases (gnomAD no frequency). This variant has not been reported in the literature in individuals affected with NPAT-related conditions. ClinVar contains an entry for this variant (Variation ID: 1782966). An algorithm developed to predict the effect of missense changes on protein structure and function (PolyPhen-2) suggests that this variant is likely to be tolerated. In summary, the available evidence is currently insufficient to determine the role of this variant in disease. Therefore, it has been classified as a Variant of Uncertain Significance.

Ambry Genetics
Classification: Uncertain significance. Last evaluated: 2022-06-23. Review status: criteria provided, single submitter. Criteria: Ambry Variant Classification Scheme 2023. Collection method: clinical testing. Allele origin: germline.
Comment: The p.H646Y variant (also known as c.1936C>T), located in coding exon 13 of the NPAT gene, results from a C to T substitution at nucleotide position 1936. The histidine at codon 646 is replaced by tyrosine, an amino acid with similar properties. This amino acid position is conserved. In addition, this alteration is predicted to be tolerated by in silico analysis. Since supporting evidence is limited at this time, the clinical significance of this alteration remains unclear.